The following is an entry in ClinVar:

ClinVar aggregate classification (germline): Conflicting classifications of pathogenicity. Review status: criteria provided, conflicting classifications (1 of 4 stars). 4 submissions from 4 submitters: Uncertain significance (2); Likely benign (2). Last evaluated 2025-04-09.

Conditions:
Autosomal recessive limb-girdle muscular dystrophy type 2J (LGMDR10). Also called: Limb-girdle muscular dystrophy, type 2J; MUSCULAR DYSTROPHY, LIMB-GIRDLE, AUTOSOMAL RECESSIVE 10. Identifiers: Orphanet 140922, MedGen C1837342, MONDO:0012127, OMIM 608807.
Dilated cardiomyopathy 1G (CMD1G). Identifiers: Orphanet 154, MedGen C1858763, MONDO:0011400, OMIM 604145.
Cardiovascular phenotype. Identifiers: MedGen CN230736.

Allele frequency attached by ClinVar (database versions not stated): gnomAD exomes below 0.00001; TOPMed below 0.00001; ExAC 0.00001; gnomAD 0.00001.
gnomAD v4.1: 2 of 1,613,726 alleles (0.00012%); highest among the groups gnomAD compares: Non-Finnish European, 0.00017%; no homozygotes.

Submissions (4):

Molecular Diagnostic Laboratory for Inherited Cardiovascular Disease, Montreal Heart Institute
Classification: Likely benign. Last evaluated: 2025-04-09. Review status: criteria provided, single submitter. Criteria: ACMG Guidelines, 2015. Collection method: clinical testing. Allele origin: germline. Affected: no.
Comment: BP1

Labcorp Genetics (formerly Invitae), Labcorp
Classification: Uncertain significance for Dilated cardiomyopathy 1G; Autosomal recessive limb-girdle muscular dystrophy type 2J. Last evaluated: 2025-01-31. Review status: criteria provided, single submitter. Criteria: Invitae Variant Classification Sherloc (09022015). Collection method: clinical testing. Allele origin: germline.
Comment: This sequence change replaces glutamine, which is neutral and polar, with histidine, which is basic and polar, at codon 35278 of the TTN protein (p.Gln35278His). This variant is present in population databases (rs758094020, gnomAD 0.0009%). This variant has not been reported in the literature in individuals affected with TTN-related conditions. ClinVar contains an entry for this variant (Variation ID: 1053156). Experimental studies and prediction algorithms are not available or were not evaluated, and the functional significance of this variant is currently unknown. This variant is located in the M band of TTN (PMID: 25589632). Non-truncating variants in this region may be relevant for neuromuscular disorders, but have not been definitively shown to cause cardiomyopathy (PMID: 23975875). In summary, the available evidence is currently insufficient to determine the role of this variant in disease. Therefore, it has been classified as a Variant of Uncertain Significance.

Blueprint Genetics
Classification: Likely benign. Last evaluated: 2023-06-30. Review status: criteria provided, single submitter. Criteria: ACMG Guidelines, 2015. Collection method: clinical testing. Allele origin: germline.

Ambry Genetics
Classification: Uncertain significance for Cardiovascular phenotype. Last evaluated: 2020-08-27. Review status: criteria provided, single submitter. Criteria: Ambry Variant Classification Scheme 2023. Collection method: clinical testing. Allele origin: germline.
Comment: The p.Q26213H variant (also known as c.78639G>C), located in coding exon 185 of the TTN gene, results from a G to C substitution at nucleotide position 78639. The glutamine at codon 26213 is replaced by histidine, an amino acid with highly similar properties. This amino acid position is well conserved in available vertebrate species. In addition, this alteration is predicted to be tolerated by in silico analysis. Since supporting evidence is limited at this time, the clinical significance of this alteration remains unclear.

Literature cited by the submitters: PubMed 25589632 (cited by Labcorp Genetics (formerly Invitae), Labcorp); PubMed 23975875 (cited by Labcorp Genetics (formerly Invitae), Labcorp).

NM_001267550.2(TTN):c.105834G>C (p.Gln35278His)

Genes: TTN (titin; minus strand), TTN-AS1 (TTN antisense RNA 1; plus strand), LOC129935183 (ATAC-STARR-seq lymphoblastoid active region 16808; plus strand). Cytogenetic location: 2q31.2.
Variant type: single nucleotide variant.
Coding change: c.105834G>C on transcript NM_001267550.2 (MANE Select); coding-DNA position 105834, G replaced by C.
Protein change: p.Gln35278His; replaces glutamine 35278 with histidine.
Molecular consequence: missense variant.
Genome position (GRCh38, 1-based): chr2:178,530,781, C>G on the plus strand (G>C on the coding strand, the complement: TTN is on the minus strand). VCF-style: chr2-178530781-C-G. GRCh37 (hg19) VCF-style: chr2-179395508-C-G.
Other names: c.100911G>C, p.Gln33637His (NM_001256850.1); c.78639G>C, p.Gln26213His (NM_003319.4); c.98130G>C, p.Gln32710His (NM_133378.4); c.79014G>C, p.Gln26338His (NM_133432.3); c.79215G>C, p.Gln26405His (NM_133437.4); short protein forms Q26213H, Q26338H, Q26405H, Q32710H, Q33637H, Q35278H.
Identifiers: ClinVar variation 1053156 (VCV001053156.13), dbSNP rs758094020, ClinGen allele CA1985200.